The following is an entry in ClinVar:

ClinVar aggregate classification (germline): Conflicting classifications of pathogenicity. Review status: criteria provided, conflicting classifications (1 of 4 stars). 2 submissions from 2 submitters: Uncertain significance (1); Likely benign (1). Last evaluated 2024-08-03.

Conditions:
Primary ciliary dyskinesia. Also called: Ciliary dyskinesia. Identifiers: Orphanet 244, MedGen C0008780, MONDO:0016575, HP:0012265.

Allele frequency attached by ClinVar (database versions not stated): gnomAD 0.00001; gnomAD exomes 0.00001; ExAC 0.00002.
gnomAD v4.1: 16 of 1,613,972 alleles (0.00099%); highest among the groups gnomAD compares: South Asian, 0.0088%; no homozygotes.

Submissions (2):

Ambry Genetics
Classification: Uncertain significance for Primary ciliary dyskinesia. Last evaluated: 2024-08-03. Review status: criteria provided, single submitter. Criteria: Ambry Variant Classification Scheme 2023. Collection method: clinical testing. Allele origin: germline.
Comment: The p.D343G variant (also known as c.1028A>G), located in coding exon 8 of the DNAH5 gene, results from an A to G substitution at nucleotide position 1028. The aspartic acid at codon 343 is replaced by glycine, an amino acid with similar properties. This amino acid position is conserved. In addition, this alteration is predicted to be deleterious by in silico analysis. Based on the available evidence, the clinical significance of this variant remains unclear.

Labcorp Genetics (formerly Invitae), Labcorp
Classification: Likely benign for Primary ciliary dyskinesia. Last evaluated: 2022-11-01. Review status: criteria provided, single submitter. Criteria: Invitae Variant Classification Sherloc (09022015). Collection method: clinical testing. Allele origin: germline.

NM_001369.3(DNAH5):c.1028A>G (p.Asp343Gly)

Gene: DNAH5 (dynein axonemal heavy chain 5; minus strand). Cytogenetic location: 5p15.2.
Variant type: single nucleotide variant.
Coding change: c.1028A>G on transcript NM_001369.3 (MANE Select); coding-DNA position 1028, A replaced by G.
Protein change: p.Asp343Gly; replaces aspartic acid 343 with glycine.
Molecular consequence: missense variant.
Genome position (GRCh38, 1-based): chr5:13,917,204, T>C on the plus strand (A>G on the coding strand, the complement: DNAH5 is on the minus strand). VCF-style: chr5-13917204-T-C. GRCh37 (hg19) VCF-style: chr5-13917313-T-C.
Other names: c.1028A>G (NM_001369.2); short protein forms D343G.
Identifiers: ClinVar variation 2194357 (VCV002194357.5), dbSNP rs778204627, ClinGen allele CA3204984.